The following is an entry in ClinVar:

ClinVar aggregate classification (germline): Benign/Likely benign. Review status: criteria provided, multiple submitters, no conflicts (2 of 4 stars). 2 submissions from 2 submitters: Benign (1); Likely benign (1). Last evaluated 2025-04-18.

Conditions:
Familial adenomatous polyposis 1 (FAP1). Also called: POLYPOSIS, ADENOMATOUS INTESTINAL; FAMILIAL ADENOMATOUS POLYPOSIS 1, ATTENUATED. Identifiers: MedGen C2713442, MONDO:0021056, OMIM 175100. Disease mechanism: loss of function.
Hereditary cancer-predisposing syndrome. Also called: Neoplastic Syndromes, Hereditary; Tumor predisposition; Hereditary neoplastic syndrome; Hereditary Cancer Syndrome. Identifiers: Orphanet 140162, MedGen C0027672, MeSH D009386, MONDO:0015356.

Submissions (2):

Ambry Genetics
Classification: Likely benign for Hereditary cancer-predisposing syndrome. Last evaluated: 2025-04-18. Review status: criteria provided, single submitter. Criteria: Ambry Variant Classification Scheme 2023. Collection method: clinical testing. Allele origin: germline.

Myriad Genetics, Inc.
Classification: Benign for Familial adenomatous polyposis 1. Last evaluated: 2024-03-27. Review status: criteria provided, single submitter. Criteria: Myriad Autosomal Dominant, Autosomal Recessive and X-Linked Classification Criteria (2023). Collection method: clinical testing. Allele origin: unknown.
Comment: This variant is considered benign. This variant is a silent/synonymous amino acid change and it is not expected to impact splicing.

NM_000038.6(APC):c.4725A>C (p.Leu1575=)

Gene: APC (APC regulator of Wnt signaling pathway; plus strand). Cytogenetic location: 5q22.2.
Variant type: single nucleotide variant.
Coding change: c.4725A>C on transcript NM_000038.6 (MANE Select); coding-DNA position 4725, A replaced by C.
Protein change: p.Leu1575=; no amino-acid change (leucine 1575 retained).
Molecular consequence: synonymous variant. On other transcripts: non-coding transcript variant (2).
Genome position (GRCh38, 1-based): chr5:112,840,319, A>C. VCF-style: chr5-112840319-A-C. GRCh37 (hg19) VCF-style: chr5-112176016-A-C.
Other names: c.4725A>C, p.Leu1575= (NM_001127510.3, NM_001354895.2, NM_001407450.1); c.4671A>C, p.Leu1557= (NM_001127511.3); c.4779A>C, p.Leu1593= (NM_001354896.2, NM_001407447.1, NM_001407448.1 and 1 more transcripts); c.4755A>C, p.Leu1585= (NM_001354897.2); c.4650A>C, p.Leu1550= (NM_001354898.2); c.4641A>C, p.Leu1547= (NM_001354899.2); c.4602A>C, p.Leu1534= (NM_001354900.2); c.4548A>C, p.Leu1516= (NM_001354901.2, NM_001407453.1); and 12 more.
Identifiers: ClinVar variation 3148250 (VCV003148250.2), dbSNP rs1057523328, ClinGen allele CA446206694.
Genomic context (GRCh38, chr5:112,840,319, plus strand): 5'-AACTATTGATTCTGAAAAGGACCTATTAGATGATTCAGATGATGATGATATTGAAATACT[A>C]GAAGAATGTATTATTTCTGCCATGCCAACAAAGTCATCACGTAAAGCAAAAAAGCCAGCC-3'
Protein context (NP_000029.2, residues 1565-1585): DDSDDDDIEI[Leu1575=]EECIISAMPT